The following is an entry in ClinVar:

ClinVar aggregate classification (germline): Pathogenic/Likely pathogenic. Review status: criteria provided, multiple submitters, no conflicts (2 of 4 stars). 2 submissions from 2 submitters: Pathogenic (1); Likely pathogenic (1). Last evaluated 2023-07-07.

Conditions:
Peroxisome biogenesis disorder. Identifiers: Orphanet 79189, MedGen C1832200, MONDO:0019234. Disease mechanism: loss of function.
Heimler syndrome 2 (HMLR2). Also called: PEROXISOME BIOGENESIS DISORDER 4C. Identifiers: Orphanet 3220, MedGen C4225267, OMIM 616617, MONDO:0014709.

Submissions (2):

Labcorp Genetics (formerly Invitae), Labcorp
Classification: Pathogenic for Peroxisome biogenesis disorder. Last evaluated: 2023-07-07. Review status: criteria provided, single submitter. Criteria: Invitae Variant Classification Sherloc (09022015). Collection method: clinical testing. Allele origin: germline.
Comment: This sequence change creates a premature translational stop signal (p.Glu320Valfs*14) in the PEX6 gene. It is expected to result in an absent or disrupted protein product. Loss-of-function variants in PEX6 are known to be pathogenic (PMID: 8670792, 19877282, 21031596). This variant is not present in population databases (gnomAD no frequency). This variant has not been reported in the literature in individuals affected with PEX6-related conditions. For these reasons, this variant has been classified as Pathogenic.

Baylor Genetics
Classification: Likely pathogenic for Heimler syndrome 2. Last evaluated: 2023-04-14. Review status: criteria provided, single submitter. Criteria: ACMG Guidelines, 2015. Collection method: clinical testing. Allele origin: unknown.

Literature cited by the submitters: PubMed 8670792 (cited by Labcorp Genetics (formerly Invitae), Labcorp); PubMed 19877282 (cited by Labcorp Genetics (formerly Invitae), Labcorp); PubMed 21031596 (cited by Labcorp Genetics (formerly Invitae), Labcorp).

NM_000287.4(PEX6):c.959_960del (p.Glu320fs)

Gene: PEX6 (peroxisomal biogenesis factor 6; minus strand). Cytogenetic location: 6p21.1.
Variant type: Microsatellite.
Coding change: c.959_960del on transcript NM_000287.4 (MANE Select); coding-DNA positions 959 to 960, 2 bases deleted (AG; older notation c.959_960delAG).
Protein change: p.Glu320fs; shifts the reading frame from glutamic acid 320.
Molecular consequence: frameshift variant. On other transcripts: non-coding transcript variant (1).
Genome position (GRCh38, 1-based): chr6:42,974,961-42,974,962, CT deleted on the plus strand (AG on the coding strand, the reverse complement: PEX6 is on the minus strand); deleting any 2 consecutive bases within chr6:42,974,961-42,974,966 gives the same sequence; the c. name uses the placement nearest the transcript's 3' end. VCF-style (leftmost placement, unchanged base first): chr6-42974960-ACT-A. GRCh37 (hg19) VCF-style: chr6-42942698-ACT-A.
Other names: c.695_696del, p.Glu232fs (NM_001316313.2); short protein forms E320fs, E232fs.
Identifiers: ClinVar variation 2133321 (VCV002133321.5), dbSNP rs1770226537, ClinGen allele CA1624315585.